The following is an entry in ClinVar:

ClinVar aggregate classification (germline): Uncertain significance. Review status: criteria provided, multiple submitters, no conflicts (2 of 4 stars). 2 submissions from 2 submitters: Uncertain significance (2). Last evaluated 2025-03-08.

Conditions:
Osteogenesis imperfecta type 7 (OI7). Also called: OI type 7; OI type VII; OSTEOGENESIS IMPERFECTA, TYPE IIB; Osteogenesis imperfecta type 2B; OI type 2B; Osteogenesis imperfecta, perinatal lethal autosomal recessive. Identifiers: MedGen C1853162, MONDO:0012536, OMIM 610682.
Inborn genetic diseases. Identifiers: MedGen C0950123, MeSH D030342.

Allele frequency attached by ClinVar (database versions not stated): gnomAD exomes below 0.00001 and 0.00001; TOPMed 0.00002; gnomAD 0.00003.
gnomAD v4.1: 7 of 1,613,704 alleles (0.00043%); highest among the groups gnomAD compares: Non-Finnish European, 0.00059%; no homozygotes.

Submissions (2):

Ambry Genetics
Classification: Uncertain significance for Inborn genetic diseases. Last evaluated: 2025-03-08. Review status: criteria provided, single submitter. Criteria: Ambry Variant Classification Scheme 2023. Collection method: clinical testing. Allele origin: germline.

Labcorp Genetics (formerly Invitae), Labcorp
Classification: Uncertain significance for Osteogenesis imperfecta type 7. Last evaluated: 2021-09-01. Review status: criteria provided, single submitter. Criteria: Invitae Variant Classification Sherloc (09022015). Collection method: clinical testing. Allele origin: germline.
Comment: This sequence change replaces proline with arginine at codon 356 of the CRTAP protein (p.Pro356Arg). The proline residue is moderately conserved and there is a moderate physicochemical difference between proline and arginine. This variant is not present in population databases (ExAC no frequency). This variant has not been reported in the literature in individuals affected with CRTAP-related conditions. Algorithms developed to predict the effect of missense changes on protein structure and function (SIFT, PolyPhen-2, Align-GVGD) all suggest that this variant is likely to be tolerated. In summary, the available evidence is currently insufficient to determine the role of this variant in disease. Therefore, it has been classified as a Variant of Uncertain Significance.

NM_006371.5(CRTAP):c.1067C>G (p.Pro356Arg)

Gene: CRTAP (cartilage associated protein; plus strand). Cytogenetic location: 3p22.3.
Variant type: single nucleotide variant.
Coding change: c.1067C>G on transcript NM_006371.5 (MANE Select); coding-DNA position 1067, C replaced by G.
Protein change: p.Pro356Arg; replaces proline 356 with arginine.
Molecular consequence: missense variant.
Genome position (GRCh38, 1-based): chr3:33,132,699, C>G. VCF-style: chr3-33132699-C-G. GRCh37 (hg19) VCF-style: chr3-33174191-C-G.
Other names: c.1067C>G (NM_006371.4); c.1067C>G, p.Pro356Arg (NM_001393363.1); c.938C>G, p.Pro313Arg (NM_001393364.1); c.917C>G, p.Pro306Arg (NM_001393365.1); short protein forms P356R, P306R, P313R.
Identifiers: ClinVar variation 1484282 (VCV001484282.6), dbSNP rs1487896301, ClinGen allele CA351997776.